The following is an entry in ClinVar:

NM_006031.6(PCNT):c.7321-13_7321-10del

Gene: PCNT (pericentrin; plus strand). Cytogenetic location: 21q22.3.
Variant type: Microsatellite.
Coding change: c.7321-13_7321-10del on transcript NM_006031.6 (MANE Select); 13 bases into the intron before coding-DNA position 7321 through 10 bases into the intron before coding-DNA position 7321, 4 bases deleted (CTTC; older notation c.7321-13_7321-10delCTTC).
Molecular consequence: intron variant.
Genome position (GRCh38, 1-based): chr21:46,427,609-46,427,612, CTTC deleted; deleting any 4 consecutive bases within chr21:46,427,605-46,427,612 gives the same sequence; the c. name uses the placement nearest the transcript's 3' end. VCF-style (leftmost placement, unchanged base first): chr21-46427604-TCTTC-T. GRCh37 (hg19) VCF-style: chr21-47847518-TCTTC-T.
Other names: c.7321-13_7321-10delCTTC (NM_006031.5); c.6967-13_6967-10del (NM_001315529.2).
Identifiers: ClinVar variation 3010836 (VCV003010836.5), dbSNP rs1439619306, ClinGen allele CA638499817.

ClinVar aggregate classification (germline): Likely benign. Review status: criteria provided, single submitter (1 of 4 stars). 2 submissions from 2 submitters: Likely benign (1). 1 of the submissions does not count toward it. Last evaluated 2024-01-31.

Conditions:
PCNT-related disorder. Also called: PCNT-related condition.

Submissions (2):

Labcorp Genetics (formerly Invitae), Labcorp
Classification: Likely benign. Last evaluated: 2024-01-31. Review status: criteria provided, single submitter. Criteria: Invitae Variant Classification Sherloc (09022015). Collection method: clinical testing. Allele origin: germline.

PreventionGenetics, part of Exact Sciences
Classification: Likely benign for PCNT-related condition. Last evaluated: 2021-09-23. Review status: no assertion criteria provided. Collection method: clinical testing. Allele origin: germline. Not counted in ClinVar's aggregate classification.
Comment: This variant is classified as likely benign based on ACMG/AMP sequence variant interpretation guidelines (Richards et al. 2015 PMID: 25741868, with internal and published modifications).